The following is an entry in ClinVar:

ClinVar aggregate classification (germline): Likely benign (0 of 4 stars; one submission).

Conditions:
PTPRD-related disorder. Also called: PTPRD-related condition.

gnomAD v4.1: 114 of 1,613,938 alleles (0.0071%); highest among the groups gnomAD compares: Admixed American, 0.013%; no homozygotes.

Submission:

PreventionGenetics, part of Exact Sciences
Classification: Likely benign for PTPRD-related condition. Last evaluated: 2019-07-17. Review status: no assertion criteria provided. Collection method: clinical testing. Allele origin: germline.
Comment: This variant is classified as likely benign based on ACMG/AMP sequence variant interpretation guidelines (Richards et al. 2015 PMID: 25741868, with internal and published modifications).

NM_002839.4(PTPRD):c.117A>T (p.Gly39=)

Gene: PTPRD (protein tyrosine phosphatase receptor type D; minus strand). Cytogenetic location: 9p24.1.
Variant type: single nucleotide variant.
Coding change: c.117A>T on transcript NM_002839.4 (MANE Select); coding-DNA position 117, A replaced by T.
Protein change: p.Gly39=; no amino-acid change (glycine 39 retained).
Molecular consequence: synonymous variant.
Genome position (GRCh38, 1-based): chr9:8,636,792, T>A on the plus strand (A>T on the coding strand, the complement: PTPRD is on the minus strand). VCF-style: chr9-8636792-T-A. GRCh37 (hg19) VCF-style: chr9-8636792-T-A.
Other names: c.117A>T, p.Gly39= (NM_001040712.2, NM_001171025.2, NM_001377946.1 and 6 more transcripts).
Identifiers: ClinVar variation 3351061 (VCV003351061.1).